The following is an entry in ClinVar:

ClinVar aggregate classification (germline): Uncertain significance (1 of 4 stars; one submission).

Allele frequency attached by ClinVar (database versions not stated): gnomAD exomes 0.00004 and 0.00006; ExAC 0.00012.
gnomAD v4.1: 61 of 1,614,048 alleles (0.0038%); highest among the groups gnomAD compares: Non-Finnish European, 0.005%; no homozygotes.

Submission:

Labcorp Genetics (formerly Invitae), Labcorp
Classification: Uncertain significance. Last evaluated: 2022-01-06. Review status: criteria provided, single submitter. Criteria: Invitae Variant Classification Sherloc (09022015). Collection method: clinical testing. Allele origin: germline.
Comment: This sequence change replaces leucine, which is neutral and non-polar, with valine, which is neutral and non-polar, at codon 750 of the VPS11 protein (p.Leu750Val). This variant is present in population databases (rs782636542, gnomAD 0.01%). This variant has not been reported in the literature in individuals affected with VPS11-related conditions. ClinVar contains an entry for this variant (Variation ID: 1024325). Experimental studies and prediction algorithms are not available or were not evaluated, and the functional significance of this variant is currently unknown. In summary, the available evidence is currently insufficient to determine the role of this variant in disease. Therefore, it has been classified as a Variant of Uncertain Significance.

NM_021729.6(VPS11):c.2248C>G (p.Leu750Val)

Gene: VPS11 (VPS11 core subunit of CORVET and HOPS complexes; plus strand). Cytogenetic location: 11q23.3.
Variant type: single nucleotide variant.
Coding change: c.2248C>G on transcript NM_021729.6 (MANE Select); coding-DNA position 2248, C replaced by G.
Protein change: p.Leu750Val; replaces leucine 750 with valine.
Molecular consequence: missense variant. On other transcripts: non-coding transcript variant (8).
Genome position (GRCh38, 1-based): chr11:119,078,979, C>G. VCF-style: chr11-119078979-C-G. GRCh37 (hg19) VCF-style: chr11-118949689-C-G.
Other names: c.2218C>G, p.Leu740Val (NM_001290185.2); c.2260C>G, p.Leu754Val (NM_001378218.1, NM_001378219.1); c.2233C>G, p.Leu745Val (NM_001378220.1); c.2230C>G, p.Leu744Val (NM_001378221.1); short protein forms L740V, L744V, L745V, L750V, L754V.
Identifiers: ClinVar variation 1024325 (VCV001024325.7), dbSNP rs782636542, ClinGen allele CA6313659.